The following is an entry in ClinVar:

ClinVar aggregate classification (germline): Uncertain significance (1 of 4 stars; one submission).

Allele frequency attached by ClinVar (database versions not stated): gnomAD exomes 0.00001; gnomAD 0.00002; TOPMed 0.00003.
gnomAD v4.1: 27 of 1,613,908 alleles (0.0017%); highest among the groups gnomAD compares: Non-Finnish European, 0.0019%; no homozygotes.

Submission:

Ambry Genetics
Classification: Uncertain significance. Last evaluated: 2024-10-24. Review status: criteria provided, single submitter. Criteria: Ambry Variant Classification Scheme 2023. Collection method: clinical testing. Allele origin: germline.
Comment: The p.R31W variant (also known as c.91C>T), located in coding exon 1 of the EGLN2 gene, results from a C to T substitution at nucleotide position 91. The arginine at codon 31 is replaced by tryptophan, an amino acid with dissimilar properties. This amino acid position is conserved. In addition, this alteration is predicted to be tolerated by in silico analysis. Since supporting evidence is limited at this time, the clinical significance of this alteration remains unclear.

NM_080732.4(EGLN2):c.91C>T (p.Arg31Trp)

Genes: EGLN2 (egl-9 family hypoxia inducible factor 2; plus strand), RAB4B-EGLN2 (RAB4B-EGLN2 readthrough (NMD candidate); plus strand). Cytogenetic location: 19q13.2.
Variant type: single nucleotide variant.
Coding change: c.91C>T on transcript NM_080732.4 (MANE Select); coding-DNA position 91, C replaced by T.
Protein change: p.Arg31Trp; replaces arginine 31 with tryptophan.
Molecular consequence: missense variant. On other transcripts: non-coding transcript variant (1).
Genome position (GRCh38, 1-based): chr19:40,800,663, C>T. VCF-style: chr19-40800663-C-T. GRCh37 (hg19) VCF-style: chr19-41306568-C-T.
Other names: c.91C>T, p.Arg31Trp (NM_053046.4); short protein forms R31W.
Identifiers: ClinVar variation 1766164 (VCV001766164.3), dbSNP rs796541103, ClinGen allele CA308486925.
Genomic context (GRCh38, chr19:40,800,663, plus strand): 5'-AGTCAGGCTCTCCCTCAGTTACCAGGGTCTTCGTCAGAGCCCTTGGAGCCTGAGCCTGGC[C>T]GGGCCAGGATGGGAGTGGAGAGTTACCTGCCCTGTCCCCTGCTCCCCTCCTACCACTGTC-3'
Protein context (NP_542770.2, residues 21-41): SSEPLEPEPG[Arg31Trp]ARMGVESYLP